The following is an entry in ClinVar:

ClinVar aggregate classification (germline): Uncertain significance (1 of 4 stars; one submission).

Conditions:
Landau-Kleffner syndrome (FESD). Also called: APHASIA, ACQUIRED, WITH EPILEPSY; EPILEPSY, FOCAL, WITH SPEECH DISORDER AND WITH OR WITHOUT MENTAL RETARDATION. Identifiers: Orphanet 1945, Orphanet 725, Orphanet 98818, MedGen C0282512, MONDO:0009509, OMIM 245570.

Submission:

Labcorp Genetics (formerly Invitae), Labcorp
Classification: Uncertain significance for Landau-Kleffner syndrome. Last evaluated: 2023-11-24. Review status: criteria provided, single submitter. Criteria: Invitae Variant Classification Sherloc (09022015). Collection method: clinical testing. Allele origin: germline.
Comment: This sequence change replaces cysteine, which is neutral and slightly polar, with serine, which is neutral and polar, at codon 455 of the GRIN2A protein (p.Cys455Ser). This variant is not present in population databases (gnomAD no frequency). This variant has not been reported in the literature in individuals affected with GRIN2A-related conditions. Advanced modeling of protein sequence and biophysical properties (such as structural, functional, and spatial information, amino acid conservation, physicochemical variation, residue mobility, and thermodynamic stability) performed at Invitae indicates that this missense variant is expected to disrupt GRIN2A protein function with a positive predictive value of 95%. In summary, the available evidence is currently insufficient to determine the role of this variant in disease. Therefore, it has been classified as a Variant of Uncertain Significance.

NM_001134407.3(GRIN2A):c.1364G>C (p.Cys455Ser)

Gene: GRIN2A (glutamate ionotropic receptor NMDA type subunit 2A; minus strand). Cytogenetic location: 16p13.2.
Variant type: single nucleotide variant.
Coding change: c.1364G>C on transcript NM_001134407.3 (MANE Select); coding-DNA position 1364, G replaced by C.
Protein change: p.Cys455Ser; replaces cysteine 455 with serine.
Molecular consequence: missense variant.
Genome position (GRCh38, 1-based): chr16:9,841,069, C>G on the plus strand (G>C on the coding strand, the complement: GRIN2A is on the minus strand). VCF-style: chr16-9841069-C-G. GRCh37 (hg19) VCF-style: chr16-9934926-C-G.
Other names: c.1364G>C, p.Cys455Ser (NM_000833.5, NM_001134408.2); short protein forms C455S.
Identifiers: ClinVar variation 2698222 (VCV002698222.3), dbSNP rs2141345805, ClinGen allele CA394800821.